The following is an entry in ClinVar:

ClinVar aggregate classification (germline): Uncertain significance (1 of 4 stars; one submission).

Conditions:
Hereditary cancer-predisposing syndrome. Also called: Neoplastic Syndromes, Hereditary; Tumor predisposition; Hereditary neoplastic syndrome; Hereditary Cancer Syndrome. Identifiers: Orphanet 140162, MedGen C0027672, MeSH D009386, MONDO:0015356.

Submission:

Ambry Genetics
Classification: Uncertain significance for Hereditary cancer-predisposing syndrome. Last evaluated: 2023-09-21. Review status: criteria provided, single submitter. Criteria: Ambry Variant Classification Scheme 2023. Collection method: clinical testing. Allele origin: germline.
Comment: The p.K492M variant (also known as c.1475A>T), located in coding exon 9 of the KIT gene, results from an A to T substitution at nucleotide position 1475. The lysine at codon 492 is replaced by methionine, an amino acid with similar properties. This amino acid position is conserved. In addition, this alteration is predicted to be tolerated by in silico analysis. Since supporting evidence is limited at this time, the clinical significance of this alteration remains unclear.

NM_000222.3(KIT):c.1475A>T (p.Lys492Met)

Gene: KIT (KIT proto-oncogene, receptor tyrosine kinase; plus strand). Cytogenetic location: 4q12.
Variant type: single nucleotide variant.
Coding change: c.1475A>T on transcript NM_000222.3 (MANE Select); coding-DNA position 1475, A replaced by T.
Protein change: p.Lys492Met; replaces lysine 492 with methionine.
Molecular consequence: missense variant.
Genome position (GRCh38, 1-based): chr4:54,725,985, A>T. VCF-style: chr4-54725985-A-T. GRCh37 (hg19) VCF-style: chr4-55592151-A-T.
Other names: c.1475A>T, p.Lys492Met (NM_001093772.2, NM_001385285.1, NM_001385286.1); c.1478A>T, p.Lys493Met (NM_001385284.1, NM_001385288.1, NM_001385290.1 and 1 more transcripts); short protein forms K492M, K493M.
Identifiers: ClinVar variation 3230655 (VCV003230655.1), dbSNP rs2109769289, ClinGen allele CA356906477.